The following is an entry in ClinVar:

NM_000384.3(APOB):c.11184T>A (p.Asp3728Glu)

Gene: APOB (apolipoprotein B; minus strand). Cytogenetic location: 2p24.1.
Variant type: single nucleotide variant.
Coding change: c.11184T>A on transcript NM_000384.3 (MANE Select); coding-DNA position 11184, T replaced by A.
Protein change: p.Asp3728Glu; replaces aspartic acid 3728 with glutamic acid.
Molecular consequence: missense variant.
Genome position (GRCh38, 1-based): chr2:21,005,684, A>T on the plus strand (T>A on the coding strand, the complement: APOB is on the minus strand). VCF-style: chr2-21005684-A-T. GRCh37 (hg19) VCF-style: chr2-21228556-A-T.
Other names: short protein forms D3728E.
Identifiers: ClinVar variation 2565844 (VCV002565844.3), dbSNP rs973616479, ClinGen allele CA345980804.

ClinVar aggregate classification (germline): Uncertain significance. Review status: criteria provided, multiple submitters, no conflicts (2 of 4 stars). 2 submissions from 2 submitters: Uncertain significance (2). Last evaluated 2025-11-21.

Conditions:
Familial hypobetalipoproteinemia 1. Also called: APOB-Related Familial Hypobetalipoproteinemia; Hypobetalipoproteinemia, normotriglyceridemic; Acanthocytosis with hypobetalipoproteinemia. Identifiers: MedGen C4551990, MONDO:0014252, OMIM 615558.
Hypercholesterolemia, autosomal dominant, type B (FHCL2). Also called: APOLIPOPROTEIN B-100, FAMILIAL DEFECTIVE; APOLIPOPROTEIN B-100, FAMILIAL LIGAND-DEFECTIVE; HYPERCHOLESTEROLEMIA, FAMILIAL, DUE TO LIGAND-DEFECTIVE APOLIPOPROTEIN B; Familial Hypercholesterolemia Type B; Familial hypercholesterolemia 2; APOB-Related Familial Hypercholesterolemia, Autosomal Dominant. Identifiers: MedGen C1704417, MONDO:0007751, OMIM 144010.
Cardiovascular phenotype. Identifiers: MedGen CN230736.

Submissions (2):

Labcorp Genetics (formerly Invitae), Labcorp
Classification: Uncertain significance for Familial hypobetalipoproteinemia 1; Hypercholesterolemia, autosomal dominant, type B. Last evaluated: 2025-11-21. Review status: criteria provided, single submitter. Criteria: Invitae Variant Classification Sherloc (09022015). Collection method: clinical testing. Allele origin: germline.
Comment: This sequence change replaces aspartic acid, which is acidic and polar, with glutamic acid, which is acidic and polar, at codon 3728 of the APOB protein (p.Asp3728Glu). This variant is not present in population databases (gnomAD no frequency). This variant has not been reported in the literature in individuals affected with APOB-related conditions. ClinVar contains an entry for this variant (Variation ID: 2565844). Invitae Evidence Modeling of protein sequence and biophysical properties (such as structural, functional, and spatial information, amino acid conservation, physicochemical variation, residue mobility, and thermodynamic stability) indicates that this missense variant is not expected to disrupt APOB protein function with a negative predictive value of 95%. In summary, the available evidence is currently insufficient to determine the role of this variant in disease. Therefore, it has been classified as a Variant of Uncertain Significance.

Ambry Genetics
Classification: Uncertain significance for Cardiovascular phenotype. Last evaluated: 2023-04-09. Review status: criteria provided, single submitter. Criteria: Ambry Variant Classification Scheme 2023. Collection method: clinical testing. Allele origin: germline.
Comment: The p.D3728E variant (also known as c.11184T>A), located in coding exon 26 of the APOB gene, results from a T to A substitution at nucleotide position 11184. The aspartic acid at codon 3728 is replaced by glutamic acid, an amino acid with highly similar properties. This amino acid position is conserved. In addition, this alteration is predicted to be tolerated by in silico analysis. Since supporting evidence is limited at this time, the clinical significance of this alteration remains unclear.